The following is an entry in ClinVar:

ClinVar aggregate classification (germline): Uncertain significance (1 of 4 stars; one submission).

Conditions:
Familial thoracic aortic aneurysm and aortic dissection (TAAD). Also called: Thoracic aortic aneurysms and dissections. Identifiers: Orphanet 91387, MedGen C4707243, MONDO:0019625.

Submission:

Ambry Genetics
Classification: Uncertain significance for Familial thoracic aortic aneurysm and aortic dissection. Last evaluated: 2025-10-27. Review status: criteria provided, single submitter. Criteria: Ambry Variant Classification Scheme 2023. Collection method: clinical testing. Allele origin: germline.
Comment: The p.R108Q variant (also known as c.323G>A), located in coding exon 1 of the MYH11 gene, results from a G to A substitution at nucleotide position 323. The arginine at codon 108 is replaced by glutamine, an amino acid with highly similar properties. This amino acid position is conserved. In addition, this alteration is predicted to be deleterious by in silico analysis. Based on the available evidence, the clinical significance of this variant remains unclear.

NM_002474.3(MYH11):c.323G>A (p.Arg108Gln)

Gene: MYH11 (myosin heavy chain 11; minus strand). Cytogenetic location: 16p13.11.
Variant type: single nucleotide variant.
Coding change: c.323G>A on transcript NM_002474.3 (MANE Select); coding-DNA position 323, G replaced by A.
Protein change: p.Arg108Gln; replaces arginine 108 with glutamine.
Molecular consequence: missense variant.
Genome position (GRCh38, 1-based): chr16:15,837,930, C>T on the plus strand (G>A on the coding strand, the complement: MYH11 is on the minus strand). VCF-style: chr16-15837930-C-T. GRCh37 (hg19) VCF-style: chr16-15931787-C-T.
Other names: c.323G>A, p.Arg108Gln (NM_001040113.2, NM_001040114.2, NM_022844.3); short protein forms R108Q.
Identifiers: ClinVar variation 4635422 (VCV004635422.1).